The following is an entry in ClinVar:

NM_001182.5(ALDH7A1):c.773+1G>A

Gene: ALDH7A1 (aldehyde dehydrogenase 7 family member A1; minus strand). Cytogenetic location: 5q23.2.
Variant type: single nucleotide variant.
Coding change: c.773+1G>A on transcript NM_001182.5 (MANE Select); the canonical splice donor site of the intron after coding-DNA position 773, G replaced by A.
Molecular consequence: splice donor variant.
Genome position (GRCh38, 1-based): chr5:126,570,781, C>T on the plus strand (G>A on the coding strand, the complement: ALDH7A1 is on the minus strand). VCF-style: chr5-126570781-C-T. GRCh37 (hg19) VCF-style: chr5-125906473-C-T.
Other names: c.773+1G>A (NM_001202404.2); c.689+1G>A (NM_001201377.2).
Identifiers: ClinVar variation 4749999 (VCV004749999.1).
Genomic context (GRCh38, chr5:126,570,781, plus strand): 5'-TGATTCTAGTTGGTCAACCTGGGGTCCTTCAACAGAGGATGCTCTCAGCCTAGTAACCTA[C>T]CCAATATCTGCTCCACCACAAGTCAAGGAACAAATTGCACCAGGCAGCTTGTTGTCCTCC-3'

ClinVar aggregate classification (germline): Likely pathogenic (1 of 4 stars; one submission).

Conditions:
Pyridoxine-dependent epilepsy (EPEO4). Also called: Pyridoxine-Dependent Seizures; EPILEPSY, EARLY-ONSET, 4, VITAMIN B6-DEPENDENT; PYRIDOXINE DEPENDENCY WITH SEIZURES; Pyridoxine-Dependent Epilepsy - ALDH7A1. Identifiers: Orphanet 3006, MedGen C1849508, MONDO:0009945, OMIM 266100. Disease mechanism: loss of function.

Submission:

Labcorp Genetics (formerly Invitae), Labcorp
Classification: Likely pathogenic for Pyridoxine-dependent epilepsy. Last evaluated: 2025-04-21. Review status: criteria provided, single submitter. Criteria: Invitae Variant Classification Sherloc (09022015). Collection method: clinical testing. Allele origin: germline.
Comment: This sequence change affects a donor splice site in intron 8 of the ALDH7A1 gene. It is expected to disrupt RNA splicing. Variants that disrupt the donor or acceptor splice site typically lead to a loss of protein function (PMID: 16199547), and loss-of-function variants in ALDH7A1 are known to be pathogenic (PMID: 16491085, 20554659). This variant is not present in population databases (gnomAD no frequency). This variant has not been reported in the literature in individuals affected with ALDH7A1-related conditions. Algorithms developed to predict the effect of sequence changes on RNA splicing suggest that this variant may disrupt the consensus splice site. In summary, the currently available evidence indicates that the variant is pathogenic, but additional data are needed to prove that conclusively. Therefore, this variant has been classified as Likely Pathogenic.

Literature cited by the submitters: PubMed 16199547; PubMed 16491085; PubMed 20554659.